The following is an entry in ClinVar:

ClinVar aggregate classification (germline): Uncertain significance. Review status: criteria provided, multiple submitters, no conflicts (2 of 4 stars). 4 submissions from 4 submitters: Uncertain significance (4). Last evaluated 2026-03-04.

Conditions:
Inborn genetic diseases. Identifiers: MedGen C0950123, MeSH D030342.
RP1-related disorder. Also called: RP1-related condition.

Allele frequency attached by ClinVar (database versions not stated): TOPMed 0.00002; ESP Exome Variant Server 0.00008.
gnomAD v4.1: 14 of 1,613,572 alleles (0.00087%); highest among the groups gnomAD compares: Non-Finnish European, 0.001%; no homozygotes.

Submissions (4):

PreventionGenetics, part of Exact Sciences
Classification: Uncertain significance for RP1-related condition. Last evaluated: 2026-03-04. Review status: criteria provided, single submitter. Criteria: ACMG Guidelines, 2015. Collection method: clinical testing. Allele origin: germline.
Comment: The RP1 c.2432A>G variant is predicted to result in the amino acid substitution p.Lys811Arg. To our knowledge, this variant has not been reported in the literature or in a large population database (gnomAD), indicating this variant is rare. At this time, the clinical significance of this variant is uncertain due to the absence of conclusive functional and genetic evidence.

Labcorp Genetics (formerly Invitae), Labcorp
Classification: Uncertain significance. Last evaluated: 2025-07-07. Review status: criteria provided, single submitter. Criteria: Invitae Variant Classification Sherloc (09022015). Collection method: clinical testing. Allele origin: germline.
Comment: This sequence change replaces lysine, which is basic and polar, with arginine, which is basic and polar, at codon 811 of the RP1 protein (p.Lys811Arg). This variant is not present in population databases (gnomAD no frequency). This variant has not been reported in the literature in individuals affected with RP1-related conditions. ClinVar contains an entry for this variant (Variation ID: 1507826). An algorithm developed to predict the effect of missense changes on protein structure and function outputs the following: PolyPhen-2: "Possibly Damaging". The arginine amino acid residue is found in multiple mammalian species, which suggests that this missense change does not adversely affect protein function. In summary, the available evidence is currently insufficient to determine the role of this variant in disease. Therefore, it has been classified as a Variant of Uncertain Significance.

Ambry Genetics
Classification: Uncertain significance for Inborn genetic diseases. Last evaluated: 2022-12-27. Review status: criteria provided, single submitter. Criteria: Ambry Variant Classification Scheme 2023. Collection method: clinical testing. Allele origin: germline.

Blueprint Genetics
Classification: Uncertain significance. Last evaluated: 2021-01-26. Review status: criteria provided, single submitter. Criteria: ACMG Guidelines, 2015. Collection method: clinical testing. Allele origin: germline.

NM_006269.2(RP1):c.2432A>G (p.Lys811Arg)

Gene: RP1 (RP1 axonemal microtubule associated; plus strand). Cytogenetic location: 8q12.1.
Variant type: single nucleotide variant.
Coding change: c.2432A>G on transcript NM_006269.2 (MANE Select); coding-DNA position 2432, A replaced by G.
Protein change: p.Lys811Arg; replaces lysine 811 with arginine.
Molecular consequence: missense variant. On other transcripts: intron variant (1).
Genome position (GRCh38, 1-based): chr8:54,626,314, A>G. VCF-style: chr8-54626314-A-G. GRCh37 (hg19) VCF-style: chr8-55538874-A-G.
Other names: c.787+4026A>G (NM_001375654.1); c.2432A>G (NM_006269.1); short protein forms K811R.
Identifiers: ClinVar variation 1507826 (VCV001507826.11), dbSNP rs374965881, ClinGen allele CA177237167.